The following is an entry in ClinVar:

NM_024675.4(PALB2):c.2776C>T (p.Pro926Ser)

Gene: PALB2 (partner and localizer of BRCA2; minus strand). Cytogenetic location: 16p12.2.
Variant type: single nucleotide variant.
Coding change: c.2776C>T on transcript NM_024675.4 (MANE Select); coding-DNA position 2776, C replaced by T.
Protein change: p.Pro926Ser; replaces proline 926 with serine.
Molecular consequence: missense variant.
Genome position (GRCh38, 1-based): chr16:23,624,067, G>A on the plus strand (C>T on the coding strand, the complement: PALB2 is on the minus strand). VCF-style: chr16-23624067-G-A. GRCh37 (hg19) VCF-style: chr16-23635388-G-A.
Other names: c.2716C>T, p.Pro906Ser (NM_001407296.1); c.2704C>T, p.Pro902Ser (NM_001407297.1); c.2614C>T, p.Pro872Ser (NM_001407298.1, NM_001407302.1); c.2776C>T, p.Pro926Ser (NM_001407299.1, NM_001407300.1, NM_001407301.1); c.1891C>T, p.Pro631Ser (NM_001407304.1, NM_001407305.1, NM_001407306.1 and 4 more transcripts); c.1729C>T, p.Pro577Ser (NM_001407307.1); c.988C>T, p.Pro330Ser (NM_001407312.1, NM_001407313.1); c.310C>T, p.Pro104Ser (NM_001407314.1); short protein forms P104S, P330S, P577S, P631S, P872S, P902S, P906S, P926S.
Identifiers: ClinVar variation 2677447 (VCV002677447.4), dbSNP rs2142344116, ClinGen allele CA395145129.
Genomic context (GRCh38, chr16:23,624,067, plus strand): 5'-ACCTGATCTCTCTGATTTCCAAATTTCCCAAAGCTACACACACGAGATTATACACATCAG[G>A]CACTGGAACTATCTGTAATACTGGAACCTAAATAAAACAAAGCAGCCAAAAATTATGCTT-3'
Protein context (NP_078951.2, residues 916-936): EVPVLQIVPV[Pro926Ser]DVYNLVCVAL

ClinVar aggregate classification (germline): Uncertain significance. Review status: criteria provided, multiple submitters, no conflicts (2 of 4 stars). 2 submissions from 2 submitters: Uncertain significance (2). Last evaluated 2023-11-20.

Conditions:
Familial cancer of breast. Also called: BREAST CANCER, FAMILIAL; hereditary breast carcinoma; Hereditary breast cancer. Identifiers: Orphanet 227535, MedGen C0346153, MONDO:0016419, OMIM 114480. Disease mechanism: loss of function.

Submissions (2):

Labcorp Genetics (formerly Invitae), Labcorp
Classification: Uncertain significance for Familial cancer of breast. Last evaluated: 2023-11-20. Review status: criteria provided, single submitter. Criteria: Invitae Variant Classification Sherloc (09022015). Collection method: clinical testing. Allele origin: germline.
Comment: This sequence change replaces proline, which is neutral and non-polar, with serine, which is neutral and polar, at codon 926 of the PALB2 protein (p.Pro926Ser). This variant is not present in population databases (gnomAD no frequency). This variant has not been reported in the literature in individuals affected with PALB2-related conditions. Advanced modeling of protein sequence and biophysical properties (such as structural, functional, and spatial information, amino acid conservation, physicochemical variation, residue mobility, and thermodynamic stability) has been performed at Invitae for this missense variant, however the output from this modeling did not meet the statistical confidence thresholds required to predict the impact of this variant on PALB2 protein function. In summary, the available evidence is currently insufficient to determine the role of this variant in disease. Therefore, it has been classified as a Variant of Uncertain Significance.

Baylor Genetics
Classification: Uncertain significance for Familial cancer of breast. Last evaluated: 2023-08-09. Review status: criteria provided, single submitter. Criteria: ACMG Guidelines, 2015. Collection method: clinical testing. Allele origin: unknown.